The following is an entry in ClinVar:

ClinVar aggregate classification (germline): Likely benign. Review status: criteria provided, multiple submitters, no conflicts (2 of 4 stars). 2 submissions from 2 submitters: Likely benign (2). Last evaluated 2026-08-01.

Conditions:
CADM3-related condition.

Submissions (2):

CeGaT Center for Human Genetics Tuebingen
Classification: Likely benign. Last evaluated: 2026-08-01. Review status: criteria provided, single submitter. Criteria: CeGaT Center For Human Genetics Tuebingen Variant Classification Criteria Version 2. Collection method: clinical testing. Allele origin: germline. Affected: yes. Observed: 1 variant allele.
Comment: CADM3: PM4, BS1, BS2

PreventionGenetics, part of Exact Sciences
Classification: Likely benign for CADM3-related condition. Last evaluated: 2025-05-14. Review status: criteria provided, single submitter. Criteria: ACMG Guidelines, 2015. Collection method: clinical testing. Allele origin: germline.
Comment: This variant is classified as likely benign based on ACMG/AMP sequence variant interpretation guidelines (Richards et al. 2015 PMID: 25741868, with internal and published modifications).

NM_001127173.3(CADM3):c.24CCTGCT[4] (p.Leu14_Phe15insLeuLeu)

Gene: CADM3 (cell adhesion molecule 3; plus strand). Cytogenetic location: 1q23.2.
Variant type: Microsatellite.
Coding change: c.24CCTGCT[4] on transcript NM_001127173.3 (MANE Select); four copies in a row of the 6-base unit CCTGCT starting at c.24; the reference has three copies in a row; one copy, 6 bases duplicated.
Protein change: p.Leu14_Phe15insLeuLeu.
Molecular consequence: inframe insertion.
Genome position (GRCh38, 1-based): chr1:159,171,801-159,171,806, CCTGCT duplicated; duplicating any 6 consecutive bases within chr1:159,171,786-159,171,806 gives the same sequence; the position shown is the placement nearest the transcript's 3' end. VCF-style (leftmost placement, unchanged base first): chr1-159171785-C-CGCTCCT. GRCh37 (hg19) VCF-style: chr1-159141575-C-CGCTCCT.
Other names: c.24CCTGCT[4], p.Leu14_Phe15insLeuLeu (NM_001346510.2, NM_021189.5).
Identifiers: ClinVar variation 4981059 (VCV004981059.2).
Genomic context (GRCh38, chr1:159,171,785, plus strand): 5'-GGCTCGCCAGCGCCCAGCCAGGGAGCCGGCCGGGAAGCGCGATGGGGGCCCCAGCCGCCT[C>CGCTCCT]GCTCCTGCTCCTGCTCCTGCTGTTCGCCTGCTGCTGGGCGCCCGGCGGGGCCAACCTCTC-3'